The following is an entry in ClinVar:

NM_002458.3(MUC5B):c.6226T>C (p.Trp2076Arg)

Genes: MUC5B (mucin 5B, oligomeric mucus/gel-forming; plus strand), MUC5B-AS1 (MUC5B antisense RNA 1; minus strand). Cytogenetic location: 11p15.5.
Variant type: single nucleotide variant.
Coding change: c.6226T>C on transcript NM_002458.3 (MANE Select); coding-DNA position 6226, T replaced by C.
Protein change: p.Trp2076Arg; replaces tryptophan 2076 with arginine.
Molecular consequence: missense variant.
Genome position (GRCh38, 1-based): chr11:1,243,106, T>C. VCF-style: chr11-1243106-T-C. GRCh37 (hg19) VCF-style: chr11-1264336-T-C.
Other names: short protein forms W2076R.
Identifiers: ClinVar variation 3388013 (VCV003388013.14).
Genomic context (GRCh38, chr11:1,243,106, plus strand): 5'-ACCACGGGCTTCACAGCCACCCCCTCCTCCAGCCCAGGGACGGCACTCACGCCTCCAGTG[T>C]GGATCAGCACAACCACCACACCCACAACCAGAGGCTCCACGGTGACCCCCTCCTCCATCC-3'
Protein context (NP_002449.2, residues 2066-2086): SPGTALTPPV[Trp2076Arg]ISTTTTPTTR

ClinVar aggregate classification (germline): Likely benign (1 of 4 stars; one submission).

Submission:

CeGaT Center for Human Genetics Tuebingen
Classification: Likely benign. Last evaluated: 2024-10-01. Review status: criteria provided, single submitter. Criteria: CeGaT Center For Human Genetics Tuebingen Variant Classification Criteria Version 2. Collection method: clinical testing. Allele origin: germline. Affected: yes. Observed: 1 variant allele.
Comment: MUC5B: BP4, BS1